The following is an entry in ClinVar:

NM_001378120.1(MBD5):c.4876del (p.Ile1626fs)

Gene: MBD5 (methyl-CpG binding domain protein 5; plus strand). Cytogenetic location: 2q23.1.
Variant type: Deletion.
Coding change: c.4876del on transcript NM_001378120.1 (MANE Select); coding-DNA position 4876, one base deleted (A; older notation c.4876delA).
Protein change: p.Ile1626fs; shifts the reading frame from isoleucine 1626.
Molecular consequence: frameshift variant.
Genome position (GRCh38, 1-based): chr2:148,490,508, A deleted; the last of 3 consecutive A bases (chr2:148,490,506-148,490,508); deleting any one gives the same sequence. VCF-style (leftmost placement, unchanged base first): chr2-148490505-CA-C. GRCh37 (hg19) VCF-style: chr2-149248074-CA-C.
Other names: c.4876del, p.Ile1626fs (NM_001438854.1, NM_001438856.1, NM_001438857.1 and 1 more transcripts); c.4177del, p.Ile1393fs (NM_001438855.1, NM_001438859.1, NM_001438860.1 and 3 more transcripts); short protein forms I1626fs, I1393fs.
Identifiers: ClinVar variation 5007659 (VCV005007659.1).
Genomic context (GRCh38, chr2:148,490,505, plus strand): 5'-TCAAATGAATTGATACATTATAGACCAAGGACGTTCAATGTTGGCGACTTGGTCTGGGGC[CA>C]AATCAAAGGACTGACTTCCTGGCCTGGAAAATTAGTAAGAGAAGACGACGTTCACAATTC-3'

ClinVar aggregate classification (germline): Likely pathogenic (1 of 4 stars; one submission).

Conditions:
Intellectual developmental disorder, autosomal dominant 1. Also called: MBD5 Haploinsufficiency; Intellectual disability, autosomal dominant 1. Identifiers: Orphanet 228402, MedGen C1969562, MONDO:0007974, OMIM 156200.

Submission:

Juno Genomics, Hangzhou Juno Genomics, Inc
Classification: Likely pathogenic for Intellectual developmental disorder, autosomal dominant 1. Review status: criteria provided, single submitter. Criteria: ACMG Guidelines, 2015. Collection method: clinical testing. Allele origin: germline. Affected: yes.
Comment: Absent from controls (or at extremely low frequency if recessive) in Genome Aggregation Database.;Null variant in a gene where loss of function (LOF) is a known mechanism of disease.